The following is an entry in ClinVar:

ClinVar aggregate classification (germline): Uncertain significance. Review status: criteria provided, multiple submitters, no conflicts (2 of 4 stars). 3 submissions from 3 submitters: Uncertain significance (3). Last evaluated 2026-08-05.

Conditions:
Osteogenesis imperfecta type I (OI1). Also called: Lobstein disease; Classic Non-deforming Osteogenesis Imperfecta with Blue Sclerae; OI, TYPE I; OSTEOGENESIS IMPERFECTA TARDA; OSTEOGENESIS IMPERFECTA WITH BLUE SCLERAE; Osteogenesis imperfecta type 1. Identifiers: Orphanet 216796, Orphanet 666, MedGen C0023931, MONDO:0008146, OMIM 166200. Disease mechanism: loss of function.
Ehlers-Danlos syndrome, classic type, 1 (EDSCL1). Also called: EDS I; EHLERS-DANLOS SYNDROME, GRAVIS TYPE; EHLERS-DANLOS SYNDROME, SEVERE CLASSIC TYPE; Ehlers-Danlos Syndrome, Classic Type, COL5A1-Related; Ehlers-Danlos syndrome, type 1. Identifiers: MedGen C0268335, MONDO:0019567, OMIM 130000.
Cardiovascular phenotype. Identifiers: MedGen CN230736.
COL1A2-related disorder. Also called: COL1A2-related condition; COL1A2-Related Disorders.

Allele frequency attached by ClinVar (database versions not stated): ESP Exome Variant Server 0.00008; ExAC 0.00002; gnomAD 0.00008 and 0.00009; TOPMed 0.00012; gnomAD exomes 0.00001.
gnomAD v4.1: 28 of 1,605,702 alleles (0.0017%); highest among the groups gnomAD compares: African/African-American, 0.029%; no homozygotes.

Submissions (3):

Ambry Genetics
Classification: Uncertain significance for Cardiovascular phenotype. Last evaluated: 2026-08-05. Review status: criteria provided, single submitter. Criteria: Ambry Variant Classification Scheme 2023. Collection method: clinical testing. Allele origin: germline.

PreventionGenetics, part of Exact Sciences
Classification: Uncertain significance for COL1A2-related condition. Last evaluated: 2025-11-30. Review status: criteria provided, single submitter. Criteria: ACMG Guidelines, 2015. Collection method: clinical testing. Allele origin: germline.
Comment: The COL1A2 c.3077A>G variant is predicted to result in the amino acid substitution p.Asn1026Ser. To our knowledge, this variant has not been reported in the literature. This variant is reported in 0.021% of alleles in individuals of African descent in gnomAD. At this time, the clinical significance of this variant is uncertain due to the absence of conclusive functional and genetic evidence.

Labcorp Genetics (formerly Invitae), Labcorp
Classification: Uncertain significance for Osteogenesis imperfecta type I; Ehlers-Danlos syndrome, classic type, 1. Last evaluated: 2025-10-01. Review status: criteria provided, single submitter. Criteria: Invitae Variant Classification Sherloc (09022015). Collection method: clinical testing. Allele origin: germline.
Comment: This sequence change replaces asparagine, which is neutral and polar, with serine, which is neutral and polar, at codon 1026 of the COL1A2 protein (p.Asn1026Ser). The frequency data for this variant in the population databases is considered unreliable, as metrics indicate poor data quality at this position in the gnomAD database. This variant has not been reported in the literature in individuals affected with COL1A2-related conditions. ClinVar contains an entry for this variant (Variation ID: 1511009). Invitae Evidence Modeling of protein sequence and biophysical properties (such as structural, functional, and spatial information, amino acid conservation, physicochemical variation, residue mobility, and thermodynamic stability) indicates that this missense variant is not expected to disrupt COL1A2 protein function with a negative predictive value of 95%. In summary, the available evidence is currently insufficient to determine the role of this variant in disease. Therefore, it has been classified as a Variant of Uncertain Significance.

NM_000089.4(COL1A2):c.3077A>G (p.Asn1026Ser)

Gene: COL1A2 (collagen type I alpha 2 chain; plus strand). Cytogenetic location: 7q21.3.
Variant type: single nucleotide variant.
Coding change: c.3077A>G on transcript NM_000089.4 (MANE Select); coding-DNA position 3077, A replaced by G.
Protein change: p.Asn1026Ser; replaces asparagine 1026 with serine.
Molecular consequence: missense variant.
Genome position (GRCh38, 1-based): chr7:94,426,502, A>G. VCF-style: chr7-94426502-A-G. GRCh37 (hg19) VCF-style: chr7-94055814-A-G.
Other names: c.3077A>G (NM_000089.3); short protein forms N1026S.
Identifiers: ClinVar variation 1511009 (VCV001511009.7), dbSNP rs369457688, ClinGen allele CA4347651.